The following is an entry in ClinVar:

ClinVar aggregate classification (germline): Uncertain significance (1 of 4 stars; one submission).

Conditions:
Developmental and epileptic encephalopathy, 30 (DEE30). Also called: Epileptic encephalopathy, early infantile, 30. Identifiers: MedGen C4225360, MONDO:0014595, OMIM 616341.

Allele frequency attached by ClinVar (database versions not stated): ExAC 0.00002; ESP Exome Variant Server 0.00008.

Submission:

Labcorp Genetics (formerly Invitae), Labcorp
Classification: Uncertain significance for Developmental and epileptic encephalopathy, 30. Last evaluated: 2023-01-04. Review status: criteria provided, single submitter. Criteria: Invitae Variant Classification Sherloc (09022015). Collection method: clinical testing. Allele origin: germline.
Comment: In summary, the available evidence is currently insufficient to determine the role of this variant in disease. Therefore, it has been classified as a Variant of Uncertain Significance. Algorithms developed to predict the effect of missense changes on protein structure and function (SIFT, PolyPhen-2, Align-GVGD) all suggest that this variant is likely to be disruptive. This variant has not been reported in the literature in individuals affected with SIK1-related conditions. This variant is present in population databases (rs372457297, gnomAD 0.01%). This sequence change replaces arginine, which is basic and polar, with histidine, which is basic and polar, at codon 256 of the SIK1 protein (p.Arg256His).

NM_173354.5(SIK1):c.767G>A (p.Arg256His)

Gene: SIK1 (salt inducible kinase 1; minus strand). Cytogenetic location: 21q22.3.
Variant type: single nucleotide variant.
Coding change: c.767G>A on transcript NM_173354.5 (MANE Select); coding-DNA position 767, G replaced by A.
Protein change: p.Arg256His; replaces arginine 256 with histidine.
Molecular consequence: missense variant.
Genome position (GRCh38, 1-based): chr21:43,420,439, C>T on the plus strand (G>A on the coding strand, the complement: SIK1 is on the minus strand). VCF-style: chr21-43420439-C-T. GRCh37 (hg19) VCF-style: chr21-44840319-C-T.
Other names: short protein forms R256H.
Identifiers: ClinVar variation 2888233 (VCV002888233.3), dbSNP rs372457297, ClinGen allele CA321326977.